The following is an entry in ClinVar:

ClinVar aggregate classification (germline): Benign/Likely benign. Review status: criteria provided, multiple submitters, no conflicts (2 of 4 stars). 4 submissions from 4 submitters: Benign (2); Likely benign (1). 1 of the submissions does not count toward it. Last evaluated 2026-02-03.

Conditions:
Spondyloepiphyseal dysplasia, kondo-fu type. Also called: MBTPS1-Related Spondyloepimetaphyseal Dysplasia with Elevated Lysosomal Enzymes; SED WITH ELEVATED BLOOD LYSOSOMAL ENZYMES. Identifiers: MedGen C5193071, MONDO:0032721, OMIM 618392.
MBTPS1-related disorder. Also called: MBTPS1-related condition.

Allele frequency attached by ClinVar (database versions not stated): gnomAD exomes 0.01182; ExAC 0.01195; TOPMed 0.01385; ESP Exome Variant Server 0.01438; gnomAD 0.01577 and 0.01679; 1000 Genomes Project 0.00938; 1000 Genomes Project 30x 0.00968.
gnomAD v4.1: 16,510 of 1,598,972 alleles (1%); highest among the groups gnomAD compares: African/African-American, 2.3%; 121 homozygotes.

Submissions (4):

Labcorp Genetics (formerly Invitae), Labcorp
Classification: Benign. Last evaluated: 2026-02-03. Review status: criteria provided, single submitter. Criteria: Invitae Variant Classification Sherloc (09022015). Collection method: clinical testing. Allele origin: germline.

Fulgent Genetics
Classification: Likely benign for Spondyloepiphyseal dysplasia, kondo-fu type. Last evaluated: 2021-08-07. Review status: criteria provided, single submitter. Criteria: ACMG Guidelines, 2015. Collection method: clinical testing. Allele origin: unknown.

Breakthrough Genomics
Classification: Benign. Review status: criteria provided, single submitter. Criteria: ACMG Guidelines, 2015. Collection method: not provided. Allele origin: germline. Inheritance: Autosomal recessive inheritance. Affected: yes.

PreventionGenetics, part of Exact Sciences
Classification: Benign for MBTPS1-related condition. Last evaluated: 2019-05-14. Review status: no assertion criteria provided. Collection method: clinical testing. Allele origin: germline. Not counted in ClinVar's aggregate classification.
Comment: This variant is classified as benign based on ACMG/AMP sequence variant interpretation guidelines (Richards et al. 2015 PMID: 25741868, with internal and published modifications).

NM_003791.4(MBTPS1):c.738G>A (p.Gly246=)

Gene: MBTPS1 (membrane bound transcription factor peptidase, site 1; minus strand). Cytogenetic location: 16q23.3.
Variant type: single nucleotide variant.
Coding change: c.738G>A on transcript NM_003791.4 (MANE Select); coding-DNA position 738, G replaced by A.
Protein change: p.Gly246=; no amino-acid change (glycine 246 retained).
Molecular consequence: synonymous variant.
Genome position (GRCh38, 1-based): chr16:84,093,296, C>T on the plus strand (G>A on the coding strand, the complement: MBTPS1 is on the minus strand). VCF-style: chr16-84093296-C-T. GRCh37 (hg19) VCF-style: chr16-84126901-C-T.
Other names: c.738G>A (NM_003791.3).
Identifiers: ClinVar variation 1632561 (VCV001632561.12), dbSNP rs16962810, ClinGen allele CA8201643.
Genomic context (GRCh38, chr16:84,093,296, plus strand): 5'-AAATCCTTGGCACTCCCTCATGCTGGCTATCACACCTGCCACGAATGTGCCATGGCCCAA[C>T]CCTGCAGTCCATAAAGAAAACAATCCCATAAAACACACTGAATAGCAAGTGCCAGGACGC-3'
Protein context (NP_003782.1, residues 236-256): NWTNERTLDD[Gly246=]LGHGTFVAGV